The following is an entry in ClinVar:

ClinVar aggregate classification (germline): Uncertain significance (1 of 4 stars; one submission).

Allele frequency attached by ClinVar (database versions not stated): gnomAD exomes 0.00003.
gnomAD v4.1: 39 of 1,608,658 alleles (0.0024%); highest among the groups gnomAD compares: Non-Finnish European, 0.0033%; no homozygotes.

Submission:

Labcorp Genetics (formerly Invitae), Labcorp
Classification: Uncertain significance. Last evaluated: 2023-10-03. Review status: criteria provided, single submitter. Criteria: Invitae Variant Classification Sherloc (09022015). Collection method: clinical testing. Allele origin: germline.
Comment: This sequence change replaces valine, which is neutral and non-polar, with isoleucine, which is neutral and non-polar, at codon 424 of the PNPLA8 protein (p.Val424Ile). This variant is present in population databases (no rsID available, gnomAD 0.004%). This variant has not been reported in the literature in individuals affected with PNPLA8-related conditions. ClinVar contains an entry for this variant (Variation ID: 1409908). Algorithms developed to predict the effect of missense changes on protein structure and function output the following: SIFT: "Not Available"; PolyPhen-2: "Benign"; Align-GVGD: "Not Available". The isoleucine amino acid residue is found in multiple mammalian species, which suggests that this missense change does not adversely affect protein function. In summary, the available evidence is currently insufficient to determine the role of this variant in disease. Therefore, it has been classified as a Variant of Uncertain Significance.

NM_001256007.3(PNPLA8):c.1270G>A (p.Val424Ile)

Gene: PNPLA8 (patatin like domain 8, phospholipase A2; minus strand). Cytogenetic location: 7q31.1.
Variant type: single nucleotide variant.
Coding change: c.1270G>A on transcript NM_001256007.3 (MANE Select); coding-DNA position 1270, G replaced by A.
Protein change: p.Val424Ile; replaces valine 424 with isoleucine.
Molecular consequence: missense variant.
Genome position (GRCh38, 1-based): chr7:108,502,579, C>T on the plus strand (G>A on the coding strand, the complement: PNPLA8 is on the minus strand). VCF-style: chr7-108502579-C-T. GRCh37 (hg19) VCF-style: chr7-108143023-C-T.
Other names: c.1270G>A, p.Val424Ile (NM_001256008.3, NM_001256009.3, NM_015723.5); c.970G>A, p.Val324Ile (NM_001256010.3, NM_001256011.3); short protein forms V324I, V424I.
Identifiers: ClinVar variation 1409908 (VCV001409908.5), dbSNP rs984635556, ClinGen allele CA164316163.